The following is an entry in ClinVar:

ClinVar aggregate classification (germline): Pathogenic (1 of 4 stars; one submission).

Submission:

Illumina Laboratory Services, Illumina
Classification: Pathogenic. Last evaluated: 2021-10-01. Review status: criteria provided, single submitter. Criteria: ICSL CNVClassificationCriteria Aug2020. Collection method: clinical testing. Allele origin: unknown.
Comment: This CNV is a 4.5 Mb deletion of 8p23.2p23.3 on chromosome 8, (seq[GRCh37]del(8)(p23.2p23.3); chr8:162190_4698813del). This CNV constitutes a loss of ten protein-coding genes. Several patients have been reported in the literature and in the DECIPHER database with terminal deletions of the p arm of chromosome 8 ranging in size from 0.1Mb to 6.0Mb (Firth et al. 2009; Shi et al. 2017). Common features among reported individuals include intellectual disability, developmental delay, microcephaly, and various dysmorphic features. Based on the available evidence, this CNV is classified as pathogenic.

Literature cited by the submitters: PubMed 19344873; PubMed 28901431.

GRCh37/hg19 8p23.3-23.2(chr8:162190-4698813)x1

Genes: TDRP (testis development related protein; minus strand), ZNF596 (zinc finger protein 596; plus strand), MYOM2 (myomesin 2; plus strand), FBXO25 (F-box protein 25; plus strand), KBTBD11 (kelch repeat and BTB domain containing 11; plus strand) and 5 more. Cytogenetic location: 8p23.3-23.2.
Variant type: copy number loss.
Change: copy number 1 (one copy instead of two) of chr8:162,190-4,698,813 (4.54 Mb, GRCh37 coordinates, 1-based), cytogenetic band 8p23.3-23.2.
Identifiers: ClinVar variation 1328106 (VCV001328106.4).